The following is an entry in ClinVar:

NM_024800.5(NEK11):c.96A>G (p.Gln32=)

Gene: NEK11 (NIMA related kinase 11; plus strand). Cytogenetic location: 3q22.1.
Variant type: single nucleotide variant.
Coding change: c.96A>G on transcript NM_024800.5 (MANE Select); coding-DNA position 96, A replaced by G.
Protein change: p.Gln32=; no amino-acid change (glutamine 32 retained).
Molecular consequence: synonymous variant. On other transcripts: 5 prime UTR variant (11).
Genome position (GRCh38, 1-based): chr3:131,029,804, A>G. VCF-style: chr3-131029804-A-G. GRCh37 (hg19) VCF-style: chr3-130748648-A-G.
Other names: c.96A>G, p.Gln32= (NM_001146003.2, NM_001321220.2, NM_001321221.2 and 18 more transcripts); c.-183A>G (NM_001321224.2, NM_001353039.2, NM_001353046.2); c.-456A>G (NM_001353033.2, NM_001353040.2, NM_001353048.2); c.-345A>G (NM_001353034.2, NM_001353043.2); c.-489A>G (NM_001353038.2); c.-497A>G (NM_001353041.2); c.-493A>G (NM_001353042.2).
Identifiers: ClinVar variation 2654149 (VCV002654149.24), dbSNP rs138488290, ClinGen allele CA2615925.
Genomic context (GRCh38, chr3:131,029,804, plus strand): 5'-TGGATCAACAGCCATTTCCACTTATCCAAAGACCTTGATTGCAAGAAGATACGTGCTTCA[A>G]CAAAAACTTGGCAGTGGAAGTTTTGGAACTGTCTATCTGGTTTCAGACAAGAAAGCCAAA-3'
Protein context (NP_079076.3, residues 22-42): KTLIARRYVL[Gln32=]QKLGSGSFGT

ClinVar aggregate classification (germline): Likely benign (1 of 4 stars; one submission).

Allele frequency attached by ClinVar (database versions not stated): gnomAD exomes 0.00014; ExAC 0.00053; TOPMed 0.00143; gnomAD 0.00145; ESP Exome Variant Server 0.00146; 1000 Genomes Project 0.00260; 1000 Genomes Project 30x 0.00265.
gnomAD v4.1: 440 of 1,614,248 alleles (0.027%); highest among the groups gnomAD compares: African/African-American, 0.45%; no homozygotes.

Submission:

CeGaT Center for Human Genetics Tuebingen
Classification: Likely benign. Last evaluated: 2023-06-01. Review status: criteria provided, single submitter. Criteria: CeGaT Center For Human Genetics Tuebingen Variant Classification Criteria Version 2. Collection method: clinical testing. Allele origin: germline. Affected: yes. Observed: 1 variant allele.
Comment: NEK11: BP4, BP7